The following is an entry in ClinVar:

ClinVar aggregate classification (germline): Uncertain significance. Review status: criteria provided, multiple submitters, no conflicts (2 of 4 stars). 2 submissions from 2 submitters: Uncertain significance (2). Last evaluated 2025-05-15.

Conditions:
Autoimmune lymphoproliferative syndrome type 2A (ALPS2A). Also called: CASP10-Related Autoimmune Lymphoproliferative Syndrome; Autoimmune lymphoproliferative syndrome type 2; AUTOIMMUNE LYMPHOPROLIFERATIVE SYNDROME, TYPE IIA. Identifiers: Orphanet 3261, MedGen C1858968, MONDO:0011383, OMIM 603909.

Allele frequency attached by ClinVar (database versions not stated): gnomAD 0.00001.
gnomAD v4.1: 181 of 1,613,628 alleles (0.011%); highest among the groups gnomAD compares: Non-Finnish European, 0.014%; no homozygotes.

Submissions (2):

Ambry Genetics
Classification: Uncertain significance. Last evaluated: 2025-05-15. Review status: criteria provided, single submitter. Criteria: Ambry Variant Classification Scheme 2023. Collection method: clinical testing. Allele origin: germline.

Labcorp Genetics (formerly Invitae), Labcorp
Classification: Uncertain significance for Autoimmune lymphoproliferative syndrome type 2A. Last evaluated: 2024-11-25. Review status: criteria provided, single submitter. Criteria: Invitae Variant Classification Sherloc (09022015). Collection method: clinical testing. Allele origin: germline.
Comment: This sequence change replaces serine, which is neutral and polar, with leucine, which is neutral and non-polar, at codon 141 of the CASP10 protein (p.Ser141Leu). This variant is present in population databases (rs780552445, gnomAD 0.006%). This variant has not been reported in the literature in individuals affected with CASP10-related conditions. ClinVar contains an entry for this variant (Variation ID: 1460718). Invitae Evidence Modeling of protein sequence and biophysical properties (such as structural, functional, and spatial information, amino acid conservation, physicochemical variation, residue mobility, and thermodynamic stability) indicates that this missense variant is not expected to disrupt CASP10 protein function with a negative predictive value of 80%. In summary, the available evidence is currently insufficient to determine the role of this variant in disease. Therefore, it has been classified as a Variant of Uncertain Significance.

NM_032977.4(CASP10):c.422C>T (p.Ser141Leu)

Gene: CASP10 (caspase 10; plus strand). Cytogenetic location: 2q33.1.
Variant type: single nucleotide variant.
Coding change: c.422C>T on transcript NM_032977.4 (MANE Select); coding-DNA position 422, C replaced by T.
Protein change: p.Ser141Leu; replaces serine 141 with leucine.
Molecular consequence: missense variant.
Genome position (GRCh38, 1-based): chr2:201,187,780, C>T. VCF-style: chr2-201187780-C-T. GRCh37 (hg19) VCF-style: chr2-202052503-C-T.
Other names: c.422C>T, p.Ser141Leu (NM_001206524.2, NM_001206542.2, NM_001230.5 and 3 more transcripts); c.422C>T (NM_032977.3); short protein forms S141L.
Identifiers: ClinVar variation 1460718 (VCV001460718.7), dbSNP rs780552445, ClinGen allele CA2052859.